The following is an entry in ClinVar:

NM_020928.2(ZSWIM6):c.75_98del (p.Gly26_Gly33del)

Gene: ZSWIM6 (zinc finger SWIM-type containing 6; plus strand). Cytogenetic location: 5q12.1.
Variant type: Deletion.
Coding change: c.75_98del on transcript NM_020928.2 (MANE Select); coding-DNA positions 75 to 98, 24 bases deleted (GGGCAGCAGCGGCGGCGGCGGCGG).
Protein change: p.Gly26_Gly33del.
Molecular consequence: inframe deletion.
Genome position (GRCh38, 1-based): chr5:61,332,347-61,332,370, GGGCAGCAGCGGCGGCGGCGGCGG deleted; deleting any 24 consecutive bases within chr5:61,332,331-61,332,370 gives the same sequence; the c. name uses the placement nearest the transcript's 3' end. VCF-style (leftmost placement, unchanged base first): chr5-61332330-GGCGGCGGCGGCGGCGGGGGCAGCA-G. GRCh37 (hg19) VCF-style: chr5-60628157-GGCGGCGGCGGCGGCGGGGGCAGCA-G.
Other names: c.75_98del (NM_020928.1).
Identifiers: ClinVar variation 1525401 (VCV001525401.9), dbSNP rs1216384783, ClinGen allele CA559984872.

ClinVar aggregate classification (germline): Uncertain significance. Review status: criteria provided, multiple submitters, no conflicts (2 of 4 stars). 2 submissions from 2 submitters: Uncertain significance (2). Last evaluated 2024-01-18.

Submissions (2):

GeneDx
Classification: Uncertain significance. Last evaluated: 2024-01-18. Review status: criteria provided, single submitter. Criteria: GeneDx Variant Classification Process June 2021. Collection method: clinical testing. Allele origin: germline. Affected: yes.
Comment: In-frame deletion of 8 amino acids in a non-repeat region; In silico analysis supports that this variant does not alter protein structure/function; Has not been previously published as pathogenic or benign to our knowledge

Labcorp Genetics (formerly Invitae), Labcorp
Classification: Uncertain significance. Last evaluated: 2021-05-18. Review status: criteria provided, single submitter. Criteria: Invitae Variant Classification Sherloc (09022015). Collection method: clinical testing. Allele origin: germline.
Comment: This variant has not been reported in the literature in individuals with ZSWIM6-related conditions. In summary, the available evidence is currently insufficient to determine the role of this variant in disease. Therefore, it has been classified as a Variant of Uncertain Significance. Experimental studies and prediction algorithms are not available or were not evaluated, and the functional significance of this variant is currently unknown. The frequency data for this variant in the population databases is considered unreliable, as metrics indicate insufficient coverage at this position in the ExAC database. This variant, c.75_98del, results in the deletion of 8 amino acid(s) of the ZSWIM6 protein (p.Gly26_Gly33del), but otherwise preserves the integrity of the reading frame.